The following is an entry in ClinVar:

ClinVar aggregate classification (germline): Uncertain significance (1 of 4 stars; one submission).

gnomAD v4.1: 5 of 1,614,046 alleles (0.00031%); highest among the groups gnomAD compares: Non-Finnish European, 0.00042%; no homozygotes.

Submission:

Labcorp Genetics (formerly Invitae), Labcorp
Classification: Uncertain significance. Last evaluated: 2025-03-05. Review status: criteria provided, single submitter. Criteria: Invitae Variant Classification Sherloc (09022015). Collection method: clinical testing. Allele origin: germline.
Comment: This sequence change replaces leucine, which is neutral and non-polar, with proline, which is neutral and non-polar, at codon 1045 of the SRCAP protein (p.Leu1045Pro). This variant is not present in population databases (gnomAD no frequency). This variant has not been reported in the literature in individuals affected with SRCAP-related conditions. Invitae Evidence Modeling of protein sequence and biophysical properties (such as structural, functional, and spatial information, amino acid conservation, physicochemical variation, residue mobility, and thermodynamic stability) indicates that this missense variant is not expected to disrupt SRCAP protein function with a negative predictive value of 80%. In summary, the available evidence is currently insufficient to determine the role of this variant in disease. Therefore, it has been classified as a Variant of Uncertain Significance.

NM_006662.3(SRCAP):c.3134T>C (p.Leu1045Pro)

Gene: SRCAP (Snf2 related CREBBP activator protein; plus strand). Cytogenetic location: 16p11.2.
Variant type: single nucleotide variant.
Coding change: c.3134T>C on transcript NM_006662.3 (MANE Select); coding-DNA position 3134, T replaced by C.
Protein change: p.Leu1045Pro; replaces leucine 1045 with proline.
Molecular consequence: missense variant.
Genome position (GRCh38, 1-based): chr16:30,720,859, T>C. VCF-style: chr16-30720859-T-C. GRCh37 (hg19) VCF-style: chr16-30732180-T-C.
Other names: short protein forms L1045P.
Identifiers: ClinVar variation 3701092 (VCV003701092.2).
Genomic context (GRCh38, chr16:30,720,859, plus strand): 5'-GACCTCCTCCAGGTCCTGAGCTCTCAGCCCAGCCCACCCCTGGCCCAGTCCCCCAAGTGC[T>C]GCCAGCATCACTGATGGTTTCAGCCTCACCTGCCGGGCCCCCGCTTATTCCTGCATCTCG-3'
Protein context (NP_006653.2, residues 1035-1055): QPTPGPVPQV[Leu1045Pro]PASLMVSASP